The following is an entry in ClinVar:

ClinVar aggregate classification (germline): Pathogenic/Likely pathogenic. Review status: criteria provided, multiple submitters, no conflicts (2 of 4 stars). 9 submissions from 9 submitters: Pathogenic (5); Likely pathogenic (4). Last evaluated 2026-02-24.

Conditions:
TTN-related disorder. Also called: TTN-related condition; TTN-related disease; TTN-related disorders.
Cardiovascular phenotype. Identifiers: MedGen CN230736.
Autosomal recessive limb-girdle muscular dystrophy type 2J (LGMDR10). Also called: Limb-girdle muscular dystrophy, type 2J; MUSCULAR DYSTROPHY, LIMB-GIRDLE, AUTOSOMAL RECESSIVE 10. Identifiers: Orphanet 140922, MedGen C1837342, MONDO:0012127, OMIM 608807.
Dilated cardiomyopathy 1G (CMD1G). Identifiers: Orphanet 154, MedGen C1858763, MONDO:0011400, OMIM 604145.
Early-onset myopathy with fatal cardiomyopathy (CMYO5). Also called: Salih Myopathy; CONGENITAL MYOPATHY 5 WITH CARDIOMYOPATHY. Identifiers: Orphanet 289377, MedGen C2673677, MONDO:0012714, OMIM 611705. Disease mechanism: loss of function.
Tibial muscular dystrophy (TMD). Also called: UDD MYOPATHY; Tibial muscular dystrophy, tardive; Udd Distal Myopathy – Tibial Muscular Dystrophy. Identifiers: Orphanet 609, MedGen C1838244, MONDO:0010870, OMIM 600334.
Myopathy, myofibrillar, 9, with early respiratory failure (MFM9). Also called: MYOPATHY, PROXIMAL, WITH EARLY RESPIRATORY MUSCLE INVOLVEMENT; Hereditary myopathy with early respiratory failure; Myopathy, distal, with early respiratory failure, autosomal dominant; EDSTROM MYOPATHY. Identifiers: Orphanet 178464, Orphanet 34521, MedGen C1863599, MONDO:0011362, OMIM 603689.
Hypertrophic cardiomyopathy 9. Also called: Familial hypertrophic cardiomyopathy 9. Identifiers: MedGen C1861065, MONDO:0013412, OMIM 613765.
Cardiomyopathy (CMYO). Also called: Cardiomyopathies. Identifiers: Orphanet 167848, MedGen C0878544, MONDO:0004994, HP:0001638. Inheritance: Various modes of inheritance.
Primary dilated cardiomyopathy (DCM). Also called: Dilated Cardiomyopathy. Identifiers: Orphanet 217604, MedGen C0007193, MeSH D002311, MONDO:0005021, HP:0001644. Inheritance: Various modes of inheritance.

gnomAD v4.1: 2 of 1,612,790 alleles (0.00012%); highest among the groups gnomAD compares: Non-Finnish European, 0.00017%; no homozygotes.

Submissions (9):

GeneDx
Classification: Likely pathogenic. Last evaluated: 2026-02-24. Review status: criteria provided, single submitter. Criteria: GeneDx Variant Classification Process June 2021. Collection method: clinical testing. Allele origin: germline.
Comment: Nonsense variant predicted to result in protein truncation or nonsense mediated decay in a gene for which loss of function is a known mechanism of disease; Located in the A-band, a region of TTN for which truncating variants are significantly associated with autosomal dominant cardiomyopathy and also with autosomal recessive skeletal myopathies (PMID: 22335739, 32778822); Identified in patients with DCM in published literature (PMID: 31983221, 37652022, 25589632); Not observed at significant frequency in large population cohorts (gnomAD); This variant is associated with the following publications: (PMID: 31983221, 25589632, 37652022, 22335739, 32778822)

Labcorp Genetics (formerly Invitae), Labcorp
Classification: Pathogenic for Dilated cardiomyopathy 1G; Autosomal recessive limb-girdle muscular dystrophy type 2J. Last evaluated: 2026-01-13. Review status: criteria provided, single submitter. Criteria: Invitae Variant Classification Sherloc (09022015). Collection method: clinical testing. Allele origin: germline.
Comment: This sequence change creates a premature translational stop signal (p.Tyr27107*) in the TTN gene. While this is not anticipated to result in nonsense mediated decay, it is expected to create a truncated TTN protein. This variant is not present in population databases (gnomAD no frequency). This premature translational stop signal has been observed in individuals with dilated cardiomyopathy (PMID: 25589632; internal data). ClinVar contains an entry for this variant (Variation ID: 179759). This variant is located in the A band of TTN (PMID: 25589632). Truncating variants in this region are significantly overrepresented in patients affected with dilated cardiomyopathy (PMID: 25589632). Truncating variants in this region have also been reported in individuals affected with autosomal recessive centronuclear myopathy (PMID: 23975875). For these reasons, this variant has been classified as Pathogenic.

Blueprint Genetics
Classification: Pathogenic for TTN-related disorders. Last evaluated: 2024-06-26. Review status: criteria provided, single submitter. Criteria: ACMG Guidelines, 2015. Collection method: clinical testing. Allele origin: germline. Affected: yes. Observed: 3 variant alleles.

Fulgent Genetics
Classification: Pathogenic for Tibial muscular dystrophy; Myopathy, myofibrillar, 9, with early respiratory failure; Dilated cardiomyopathy 1G; Autosomal recessive limb-girdle muscular dystrophy type 2J; Early-onset myopathy with fatal cardiomyopathy; Hypertrophic cardiomyopathy 9. Last evaluated: 2024-04-10. Review status: criteria provided, single submitter. Criteria: ACMG Guidelines, 2015. Collection method: clinical testing. Allele origin: germline.

Ambry Genetics
Classification: Pathogenic for Cardiovascular phenotype. Last evaluated: 2021-12-07. Review status: criteria provided, single submitter. Criteria: Ambry Variant Classification Scheme 2023. Collection method: clinical testing. Allele origin: germline.
Comment: The p.Y18042* pathogenic mutation (also known as c.54126C>G), located in coding exon 153 of the TTN gene, results from a C to G substitution at nucleotide position 54126. This changes the amino acid from a tyrosine to a stop codon within coding exon 153. This exon is located in the A-band region of the N2-B isoform of the titin protein and is constitutively expressed in TTN transcripts (percent spliced in or PSI 100%). This variant (described as NM_001267550.1:c.81321C>G p.Y27107X) was identified in a cohort of individuals with dilated cardiomyopathy (Roberts AM et al. Sci Transl Med, 2015 Jan;7:270ra6). This variant is considered to be rare based on population cohorts in the Genome Aggregation Database (gnomAD). This alteration is expected to result in loss of function by premature protein truncation or nonsense-mediated mRNA decay. While truncating variants in TTN are present in 1-3% of the general population, truncating variants in the A-band are the most common cause of dilated cardiomyopathy (DCM) (Herman DS et al. N. Engl. J. Med., 2012 Feb;366:619-28; Roberts AM et al. Sci Transl Med, 2015 Jan;7:270ra6). TTN truncating variants encoded in constitutive exons (PSI >90%) have been found to be significantly associated with DCM regardless of their position in titin (Schafer S et al. Nat. Genet., 2017 01;49:46-53). Based on the supporting evidence, this alteration is interpreted as a disease-causing mutation.

AiLife Diagnostics
Classification: Pathogenic. Last evaluated: 2021-10-12. Review status: criteria provided, single submitter. Criteria: ACMG Guidelines, 2015. Collection method: clinical testing. Allele origin: germline. Affected: yes. Observed: 1 variant allele.

CHEO Genetics Diagnostic Laboratory, Children's Hospital of Eastern Ontario
Classification: Likely pathogenic for Cardiomyopathy. Last evaluated: 2021-06-02. Review status: criteria provided, single submitter. Criteria: ACMG Guidelines, 2015. Collection method: clinical testing. Allele origin: germline.

Laboratory for Molecular Medicine, Mass General Brigham Personalized Medicine
Classification: Likely pathogenic for Primary dilated cardiomyopathy. Last evaluated: 2015-06-04. Review status: criteria provided, single submitter. Criteria: LMM Criteria. Collection method: clinical testing. Allele origin: germline. Inheritance: Autosomal dominant inheritance. Observed: 3 variant alleles.
Comment: It was absent from large population studies. This nonsense variant leads to a premature termination codon at position 24539, which is predicted to lead to a truncated or absent protein. Nonsense and other truncating variants in TTN are strongly associated with DCM and the majority occur in exons encoding for the A- band region of the protein (Herman 2012, Pugh 2014), where this variant is locat ed. In summary, although additional studies are required to fully establish its clinical significance, the Tyr24539X variant is likely pathogenic.

Cardiovascular Biomedical Research Unit, Royal Brompton & Harefield NHS Foundation Trust
Classification: Likely pathogenic for Primary dilated cardiomyopathy. Last evaluated: 2014-10-08. Review status: criteria provided, single submitter. Criteria: Roberts et al. 2015. Collection method: research. Allele origin: germline. Inheritance: Autosomal dominant inheritance. Affected: yes. Observed: 1 variant allele. Study: Unselected DCM.
Comment: In the seven cohorts assessed, TTNtv were found in 14% of ambulant DCM, 22% end-stage or familial DCM, and 2% controls. Heterozygous nonsense, frameshift and canonical splice-disrupting variants found in constitutive and other highly utilised exons are highly likely to be pathogenic when identified in individuals with phenotypically confirmed DCM. TTNtv found incidentally in healthy individuals (excluding familial assessment of DCM relatives) are thought to have low penetrance, particularly when identified in exons that are not constitutively expressed in the heart.

Literature cited by the submitters: PubMed 25589632 (cited by 3 submitters); PubMed 23975875 (cited by Labcorp Genetics (formerly Invitae), Labcorp); PubMed 31983221 (cited by AiLife Diagnostics).

NM_001267550.2(TTN):c.81321C>G (p.Tyr27107Ter)

Genes: TTN (titin; minus strand), TTN-AS1 (TTN antisense RNA 1; plus strand). Cytogenetic location: 2q31.2.
Variant type: single nucleotide variant.
Coding change: c.81321C>G on transcript NM_001267550.2 (MANE Select); coding-DNA position 81321, C replaced by G.
Protein change: p.Tyr27107Ter; replaces tyrosine 27107 with a stop codon.
Molecular consequence: nonsense.
Genome position (GRCh38, 1-based): chr2:178,564,811, G>C on the plus strand (C>G on the coding strand, the complement: TTN is on the minus strand). VCF-style: chr2-178564811-G-C. GRCh37 (hg19) VCF-style: chr2-179429538-G-C.
Other names: c.73617C>G, p.Tyr24539Ter (NM_133378.4); c.76398C>G, p.Tyr25466Ter (NM_001256850.1); c.54126C>G, p.Tyr18042Ter (NM_003319.4); c.54501C>G, p.Tyr18167Ter (NM_133432.3); c.54702C>G, p.Tyr18234Ter (NM_133437.4); c.81321C>G (LRG_391t1, NM_001267550.1); short protein forms Y24539*, Y27107*, Y25466*, Y18042*, Y18167*, Y18234*.
Identifiers: ClinVar variation 179759 (VCV000179759.21), dbSNP rs557312035, ClinGen allele CA273651.
Genomic context (GRCh38, chr2:178,564,811, plus strand): 5'-AATGGGGGTCTTATTTAACTTGACCCATAAAATACTGTTCTTTTCTTTCTGTTCAAGATG[G>C]TAGCCAATAATTTTGGTGCCTCCATCATTCACTGGCTCATGCCATTGCACAAGCATCTGA-3'